The following is an entry in ClinVar:

ClinVar aggregate classification (germline): Uncertain significance. Review status: criteria provided, multiple submitters, no conflicts (2 of 4 stars). 2 submissions from 2 submitters: Uncertain significance (2). Last evaluated 2022-05-10.

Allele frequency attached by ClinVar (database versions not stated): gnomAD exomes below 0.00001; ExAC 0.00001.
gnomAD v4.1: 1 of 1,613,026 alleles (0.000062%); highest among the groups gnomAD compares: Non-Finnish European, 0.000085%; no homozygotes.

Submissions (2):

Blueprint Genetics
Classification: Uncertain significance. Last evaluated: 2022-05-10. Review status: criteria provided, single submitter. Criteria: ACMG Guidelines, 2015. Collection method: clinical testing. Allele origin: germline.

GeneDx
Classification: Uncertain significance. Last evaluated: 2021-04-01. Review status: criteria provided, single submitter. Criteria: GeneDx Variant Classification Process June 2021. Collection method: clinical testing. Allele origin: germline. Affected: yes.
Comment: Has not been previously published as pathogenic or benign to our knowledge; Not observed at a significant frequency in large population cohorts (Lek et al., 2016); At the protein level, in silico analysis supports that this missense variant does not alter protein structure/function; At the mRNA level, located in the last nucleotide position of the exon 6 of an alternate transcript and in silico analysis suggests a deleterious effect on splicing; however, in the absence of functional studies, the actual effect of this sequence change on splicing is unknown; Not located in the triple helical region, where the majority of pathogenic missense variants occur (Stenson et al., 2014)

NM_001854.4(COL11A1):c.898-187G>T

Gene: COL11A1 (collagen type XI alpha 1 chain; minus strand). Cytogenetic location: 1p21.1.
Variant type: single nucleotide variant.
Coding change: c.898-187G>T on transcript NM_001854.4 (MANE Select); 187 bases into the intron before coding-DNA position 898, G replaced by T.
Molecular consequence: intron variant. On other transcripts: missense variant (1).
Genome position (GRCh38, 1-based): chr1:103,025,800, C>A on the plus strand (G>T on the coding strand, the complement: COL11A1 is on the minus strand). VCF-style: chr1-103025800-C-A. GRCh37 (hg19) VCF-style: chr1-103491356-C-A.
Other names: c.933G>T, p.Lys311Asn (NM_080629.3); c.781-187G>T (NM_001190709.2); c.897+416G>T (NM_080630.4); short protein forms K311N.
Identifiers: ClinVar variation 1314428 (VCV001314428.3), dbSNP rs768645535, ClinGen allele CA975221.
Genomic context (GRCh38, chr1:103,025,800, plus strand): 5'-TCATGATCAGAGATCTTCCAGCTTATCTAGGATAGATCTTGATTGCTTTTTCTTCGCTAC[C>A]TTTACCCCTAGTTTGGCTTTTGCTGATGCTTGATAACTTTTCTTCTTCTTGGATGAAAAT-3'